The following is an entry in ClinVar:

ClinVar aggregate classification (germline): Benign/Likely benign. Review status: criteria provided, multiple submitters, no conflicts (2 of 4 stars). 4 submissions from 4 submitters: Benign (1); Likely benign (2). 1 of the submissions does not count toward it. Last evaluated 2024-12-05.

Conditions:
BPTF-related disorder. Also called: BPTF-related condition.
Inborn genetic diseases. Identifiers: MedGen C0950123, MeSH D030342.

Allele frequency attached by ClinVar (database versions not stated): gnomAD 0.00010; gnomAD exomes 0.00012; TOPMed 0.00012; ExAC 0.00018.
gnomAD v4.1: 180 of 1,609,902 alleles (0.011%); highest among the groups gnomAD compares: South Asian, 0.03%; no homozygotes.

Submissions (4):

Labcorp Genetics (formerly Invitae), Labcorp
Classification: Benign. Last evaluated: 2024-12-05. Review status: criteria provided, single submitter. Criteria: Invitae Variant Classification Sherloc (09022015). Collection method: clinical testing. Allele origin: germline.

CeGaT Center for Human Genetics Tuebingen
Classification: Likely benign. Last evaluated: 2024-01-01. Review status: criteria provided, single submitter. Criteria: CeGaT Center For Human Genetics Tuebingen Variant Classification Criteria Version 2. Collection method: clinical testing. Allele origin: germline. Affected: yes. Observed: 1 variant allele.
Comment: BPTF: PP2, BS2

Ambry Genetics
Classification: Likely benign for Inborn genetic diseases. Last evaluated: 2021-09-01. Review status: criteria provided, single submitter. Criteria: Ambry Variant Classification Scheme 2023. Collection method: clinical testing. Allele origin: germline.

PreventionGenetics, part of Exact Sciences
Classification: Likely benign for BPTF-related condition. Last evaluated: 2022-02-25. Review status: no assertion criteria provided. Collection method: clinical testing. Allele origin: germline. Not counted in ClinVar's aggregate classification.
Comment: This variant is classified as likely benign based on ACMG/AMP sequence variant interpretation guidelines (Richards et al. 2015 PMID: 25741868, with internal and published modifications).

NM_182641.4(BPTF):c.604A>G (p.Ser202Gly)

Genes: BPTF (bromodomain PHD finger transcription factor; plus strand), LOC130061496 (ATAC-STARR-seq lymphoblastoid active region 12632; plus strand). Cytogenetic location: 17q24.2.
Variant type: single nucleotide variant.
Coding change: c.604A>G on transcript NM_182641.4 (MANE Select); coding-DNA position 604, A replaced by G.
Protein change: p.Ser202Gly; replaces serine 202 with glycine.
Molecular consequence: missense variant.
Genome position (GRCh38, 1-based): chr17:67,826,328, A>G. VCF-style: chr17-67826328-A-G. GRCh37 (hg19) VCF-style: chr17-65822444-A-G.
Other names: c.604A>G, p.Ser202Gly (NM_004459.7); short protein forms S202G.
Identifiers: ClinVar variation 1971726 (VCV001971726.29), dbSNP rs142703799, ClinGen allele CA8725020.
Genomic context (GRCh38, chr17:67,826,328, plus strand): 5'-GACGACGACGACGCCAGTTACTGCACGGAAAGCAGCTTCAGGAGCCATAGTACCTACAGC[A>G]GCACTCCAGGTACCCACCCAGCCCAGTTGCTGCAGACTCCTTCCCCACCTCCTCTGCCCT-3'
Protein context (NP_872579.2, residues 192-212): SSFRSHSTYS[Ser202Gly]TPGRRKPRVH